The following is an entry in ClinVar:

NM_001357.5(DHX9):c.593A>G (p.Tyr198Cys)

Gene: DHX9 (DExH-box helicase 9; plus strand). Cytogenetic location: 1q25.3.
Variant type: single nucleotide variant.
Coding change: c.593A>G on transcript NM_001357.5 (MANE Select); coding-DNA position 593, A replaced by G.
Protein change: p.Tyr198Cys; replaces tyrosine 198 with cysteine.
Molecular consequence: missense variant. On other transcripts: non-coding transcript variant (1).
Genome position (GRCh38, 1-based): chr1:182,854,145, A>G. VCF-style: chr1-182854145-A-G. GRCh37 (hg19) VCF-style: chr1-182823280-A-G.
Other names: short protein forms Y198C.
Identifiers: ClinVar variation 4532676 (VCV004532676.1).

ClinVar aggregate classification (germline): Uncertain significance (1 of 4 stars; one submission).

Submission:

GeneDx
Classification: Uncertain significance. Last evaluated: 2025-06-01. Review status: criteria provided, single submitter. Criteria: GeneDx Variant Classification Process June 2021. Collection method: clinical testing. Allele origin: germline. Affected: yes.
Comment: Not observed at significant frequency in large population cohorts (gnomAD); In silico analysis supports that this missense variant has a deleterious effect on protein structure/function; In silico analysis supports a deleterious effect on splicing; Has not been previously published as pathogenic or benign to our knowledge